The following is an entry in ClinVar:

ClinVar aggregate classification (germline): Uncertain significance. Review status: criteria provided, multiple submitters, no conflicts (2 of 4 stars). 2 submissions from 2 submitters: Uncertain significance (2). Last evaluated 2025-07-14.

Conditions:
Inborn genetic diseases. Identifiers: MedGen C0950123, MeSH D030342.
Intellectual disability, autosomal recessive 42 (NEDDSBA). Also called: GLYCOSYLPHOSPHATIDYLINOSITOL BIOSYNTHESIS DEFECT 9; Neurodevelopmental disorder with dysmorphic features, spasticity, and brain abnormalities. Identifiers: Orphanet 88616, MedGen C4014343, MONDO:0014348, OMIM 615802.

Submissions (2):

Ambry Genetics
Classification: Uncertain significance for Inborn genetic diseases. Last evaluated: 2025-07-14. Review status: criteria provided, single submitter. Criteria: Ambry Variant Classification Scheme 2023. Collection method: clinical testing. Allele origin: germline.

Labcorp Genetics (formerly Invitae), Labcorp
Classification: Uncertain significance for Intellectual disability, autosomal recessive 42. Last evaluated: 2022-04-01. Review status: criteria provided, single submitter. Criteria: Invitae Variant Classification Sherloc (09022015). Collection method: clinical testing. Allele origin: germline.
Comment: This sequence change replaces lysine, which is basic and polar, with arginine, which is basic and polar, at codon 166 of the PGAP1 protein (p.Lys166Arg). This variant is not present in population databases (gnomAD no frequency). This variant has not been reported in the literature in individuals affected with PGAP1-related conditions. Algorithms developed to predict the effect of missense changes on protein structure and function (SIFT, PolyPhen-2, Align-GVGD) all suggest that this variant is likely to be tolerated. In summary, the available evidence is currently insufficient to determine the role of this variant in disease. Therefore, it has been classified as a Variant of Uncertain Significance.

NM_024989.4(PGAP1):c.497A>G (p.Lys166Arg)

Gene: PGAP1 (post-GPI attachment to proteins inositol deacylase 1; minus strand). Cytogenetic location: 2q33.1.
Variant type: single nucleotide variant.
Coding change: c.497A>G on transcript NM_024989.4 (MANE Select); coding-DNA position 497, A replaced by G.
Protein change: p.Lys166Arg; replaces lysine 166 with arginine.
Molecular consequence: missense variant. On other transcripts: 5 prime UTR variant (2).
Genome position (GRCh38, 1-based): chr2:196,913,034, T>C on the plus strand (A>G on the coding strand, the complement: PGAP1 is on the minus strand). VCF-style: chr2-196913034-T-C. GRCh37 (hg19) VCF-style: chr2-197777758-T-C.
Other names: c.497A>G (NM_024989.3); c.-26A>G (NM_001321099.2); c.-615A>G (NM_001321100.2); short protein forms K166R.
Identifiers: ClinVar variation 2054696 (VCV002054696.2), dbSNP rs1702883643, ClinGen allele CA350179917.